The following is an entry in ClinVar:

NM_001379500.1(COL18A1):c.3099G>A (p.Trp1033Ter)

Genes: COL18A1 (collagen type XVIII alpha 1 chain; plus strand), SLC19A1 (solute carrier family 19 member 1; minus strand). Cytogenetic location: 21q22.3.
Variant type: single nucleotide variant.
Coding change: c.3099G>A on transcript NM_001379500.1 (MANE Select); coding-DNA position 3099, G replaced by A.
Protein change: p.Trp1033Ter; replaces tryptophan 1033 with a stop codon.
Molecular consequence: nonsense.
Genome position (GRCh38, 1-based): chr21:45,505,849, G>A. VCF-style: chr21-45505849-G-A. GRCh37 (hg19) VCF-style: chr21-46925763-G-A.
Other names: c.3630G>A, p.Trp1210Ter (NM_030582.4); c.4335G>A, p.Trp1445Ter (NM_130444.3); short protein forms W1210*, W1033*, W1445*.
Identifiers: ClinVar variation 2812239 (VCV002812239.3), dbSNP rs2517802211, ClinGen allele CA410499845.

ClinVar aggregate classification (germline): Pathogenic (1 of 4 stars; one submission).

Submission:

Labcorp Genetics (formerly Invitae), Labcorp
Classification: Pathogenic. Last evaluated: 2022-11-05. Review status: criteria provided, single submitter. Criteria: Invitae Variant Classification Sherloc (09022015). Collection method: clinical testing. Allele origin: germline.
Comment: For these reasons, this variant has been classified as Pathogenic. This variant has not been reported in the literature in individuals affected with COL18A1-related conditions. This variant is not present in population databases (gnomAD no frequency). This sequence change creates a premature translational stop signal (p.Trp1030*) in the COL18A1 gene. It is expected to result in an absent or disrupted protein product. Loss-of-function variants in COL18A1 are known to be pathogenic (PMID: 12415512, 25456301).

Literature cited by the submitters: PubMed 12415512; PubMed 25456301.